The following is an entry in ClinVar:

ClinVar aggregate classification (germline): Likely benign. Review status: criteria provided, multiple submitters, no conflicts (2 of 4 stars). 4 submissions from 4 submitters: Likely benign (4). Last evaluated 2026-05-20.

Conditions:
CLPB-related disorder. Also called: CLPB-related condition.
3-methylglutaconic aciduria, type VIIB (MGCA7B). Also called: 3-methylglutaconic aciduria, type VII, with cataracts, neurologic involvement and neutropenia; CLPB Deficiency; 3-methylglutaconic aciduria with cataracts, neurologic involvement and neutropenia. Identifiers: Orphanet 445038, MedGen C5676893, MONDO:0014561, OMIM 616271.

Allele frequency attached by ClinVar (database versions not stated): gnomAD exomes 0.00022 and 0.00034; ExAC 0.00023; TOPMed 0.00032; gnomAD 0.00038 and 0.00039; ESP Exome Variant Server 0.00046.
gnomAD v4.1: 534 of 1,614,020 alleles (0.033%); highest among the groups gnomAD compares: Non-Finnish European, 0.042%; no homozygotes.

Submissions (4):

PreventionGenetics, part of Exact Sciences
Classification: Likely benign for CLPB-related condition. Last evaluated: 2026-05-20. Review status: criteria provided, single submitter. Criteria: ACMG Guidelines, 2015. Collection method: clinical testing. Allele origin: germline.
Comment: This variant is classified as likely benign based on ACMG/AMP sequence variant interpretation guidelines (Richards et al. 2015 PMID: 25741868, with internal and published modifications).

Labcorp Genetics (formerly Invitae), Labcorp
Classification: Likely benign for 3-methylglutaconic aciduria, type VIIB. Last evaluated: 2025-11-03. Review status: criteria provided, single submitter. Criteria: Invitae Variant Classification Sherloc (09022015). Collection method: clinical testing. Allele origin: germline.

Blueprint Genetics
Classification: Likely benign. Last evaluated: 2024-09-18. Review status: criteria provided, single submitter. Criteria: ACMG Guidelines, 2015. Collection method: clinical testing. Allele origin: germline.

GeneDx
Classification: Likely benign. Last evaluated: 2019-09-04. Review status: criteria provided, single submitter. Criteria: GeneDx Variant Classification Process June 2021. Collection method: clinical testing. Allele origin: germline. Affected: yes.

NM_001258392.3(CLPB):c.1287C>T (p.Ala429=)

Genes: CLPB (ClpB family mitochondrial disaggregase; minus strand), LOC126861258 (MED14-independent group 3 enhancer GRCh37_chr11:72012242-72013441; plus strand). Cytogenetic location: 11q13.4.
Variant type: single nucleotide variant.
Coding change: c.1287C>T on transcript NM_001258392.3 (MANE Select); coding-DNA position 1287, C replaced by T.
Protein change: p.Ala429=; no amino-acid change (alanine 429 retained).
Molecular consequence: synonymous variant.
Genome position (GRCh38, 1-based): chr11:72,301,845, G>A on the plus strand (C>T on the coding strand, the complement: CLPB is on the minus strand). VCF-style: chr11-72301845-G-A. GRCh37 (hg19) VCF-style: chr11-72012889-G-A.
Other names: c.1200C>T, p.Ala400= (NM_001258393.3); c.1242C>T, p.Ala414= (NM_001258394.3); c.1377C>T, p.Ala459= (NM_030813.6).
Identifiers: ClinVar variation 382456 (VCV000382456.16), dbSNP rs143482511, ClinGen allele CA6171224.